The following is an entry in ClinVar:

NM_003664.5(AP3B1):c.1840A>G (p.Arg614Gly)

Gene: AP3B1 (adaptor related protein complex 3 subunit beta 1; minus strand). Cytogenetic location: 5q14.1.
Variant type: single nucleotide variant.
Coding change: c.1840A>G on transcript NM_003664.5 (MANE Select); coding-DNA position 1840, A replaced by G.
Protein change: p.Arg614Gly; replaces arginine 614 with glycine.
Molecular consequence: missense variant.
Genome position (GRCh38, 1-based): chr5:78,128,158, T>C on the plus strand (A>G on the coding strand, the complement: AP3B1 is on the minus strand). VCF-style: chr5-78128158-T-C. GRCh37 (hg19) VCF-style: chr5-77423982-T-C.
Other names: c.1693A>G, p.Arg565Gly (NM_001271769.2); short protein forms R565G, R614G.
Identifiers: ClinVar variation 947497 (VCV000947497.9), dbSNP rs769757592, ClinGen allele CA3316940.

ClinVar aggregate classification (germline): Uncertain significance (1 of 4 stars; one submission).

Conditions:
Hermansky-Pudlak syndrome 2 (HPS2). Also called: Platelet defects and oculocutaneous albinism. Identifiers: Orphanet 183678, Orphanet 79430, MedGen C1842362, MONDO:0011997, OMIM 608233.

Allele frequency attached by ClinVar (database versions not stated): gnomAD exomes below 0.00001 and 0.00001; ExAC 0.00001.
gnomAD v4.1: 17 of 1,601,338 alleles (0.0011%); highest among the groups gnomAD compares: East Asian, 0.0022%; no homozygotes.

Submission:

Labcorp Genetics (formerly Invitae), Labcorp
Classification: Uncertain significance for Hermansky-Pudlak syndrome 2. Last evaluated: 2019-07-25. Review status: criteria provided, single submitter. Criteria: Invitae Variant Classification Sherloc (09022015). Collection method: clinical testing. Allele origin: germline.
Comment: In summary, the available evidence is currently insufficient to determine the role of this variant in disease. Therefore, it has been classified as a Variant of Uncertain Significance. This sequence change replaces arginine with glycine at codon 614 of the AP3B1 protein (p.Arg614Gly). The arginine residue is highly conserved and there is a moderate physicochemical difference between arginine and glycine. The frequency data for this variant in the population databases is considered unreliable, as metrics indicate poor data quality at this position in the ExAC database. This variant has not been reported in the literature in individuals with AP3B1-related conditions. Algorithms developed to predict the effect of missense changes on protein structure and function (SIFT, PolyPhen-2, Align-GVGD) all suggest that this variant is likely to be tolerated, but these predictions have not been confirmed by published functional studies and their clinical significance is uncertain.